The following is an entry in ClinVar:

ClinVar aggregate classification (germline): Uncertain significance. Review status: criteria provided, multiple submitters, no conflicts (2 of 4 stars). 2 submissions from 2 submitters: Uncertain significance (2). Last evaluated 2022-11-19.

Conditions:
Inborn genetic diseases. Identifiers: MedGen C0950123, MeSH D030342.

Allele frequency attached by ClinVar (database versions not stated): gnomAD 0.00001; TOPMed below 0.00001.
gnomAD v4.1: 5 of 1,613,620 alleles (0.00031%); highest among the groups gnomAD compares: Admixed American, 0.0017%; no homozygotes.

Submissions (2):

Ambry Genetics
Classification: Uncertain significance for Inborn genetic diseases. Last evaluated: 2022-11-19. Review status: criteria provided, single submitter. Criteria: Ambry Variant Classification Scheme 2023. Collection method: clinical testing. Allele origin: germline.

Labcorp Genetics (formerly Invitae), Labcorp
Classification: Uncertain significance. Last evaluated: 2022-07-05. Review status: criteria provided, single submitter. Criteria: Invitae Variant Classification Sherloc (09022015). Collection method: clinical testing. Allele origin: germline.
Comment: This sequence change replaces glycine, which is neutral and non-polar, with arginine, which is basic and polar, at codon 210 of the LRAT protein (p.Gly210Arg). This variant is not present in population databases (gnomAD no frequency). This variant has not been reported in the literature in individuals affected with LRAT-related conditions. ClinVar contains an entry for this variant (Variation ID: 938891). Algorithms developed to predict the effect of missense changes on protein structure and function are either unavailable or do not agree on the potential impact of this missense change (SIFT: "Deleterious"; PolyPhen-2: "Probably Damaging"; Align-GVGD: "Class C15"). In summary, the available evidence is currently insufficient to determine the role of this variant in disease. Therefore, it has been classified as a Variant of Uncertain Significance.

NM_004744.5(LRAT):c.628G>C (p.Gly210Arg)

Gene: LRAT (lecithin retinol acyltransferase; plus strand). Cytogenetic location: 4q32.1.
Variant type: single nucleotide variant.
Coding change: c.628G>C on transcript NM_004744.5 (MANE Select); coding-DNA position 628, G replaced by C.
Protein change: p.Gly210Arg; replaces glycine 210 with arginine.
Molecular consequence: missense variant.
Genome position (GRCh38, 1-based): chr4:154,749,071, G>C. VCF-style: chr4-154749071-G-C. GRCh37 (hg19) VCF-style: chr4-155670223-G-C.
Other names: c.628G>C, p.Gly210Arg (NM_001301645.2); c.628G>C (NM_004744.3); short protein forms G210R.
Identifiers: ClinVar variation 938891 (VCV000938891.7), dbSNP rs1372571084, ClinGen allele CA358631110.